The following is an entry in ClinVar:

ClinVar aggregate classification (germline): Uncertain significance. Review status: criteria provided, multiple submitters, no conflicts (2 of 4 stars). 2 submissions from 2 submitters: Uncertain significance (2). Last evaluated 2022-02-01.

Conditions:
Brugada syndrome 3 (BRGDA3). Identifiers: Orphanet 130, MedGen C2678478, MONDO:0012742, OMIM 611875.
CACNA1C-related disorder. Also called: CACNA1C-related condition; CACNA1C-related disorders. Identifiers: MedGen CN381092, MONDO:0700321.

Submissions (2):

Daryl Scott Lab, Baylor College of Medicine
Classification: Uncertain significance for CACNA1C-related disorder. Last evaluated: 2022-02-01. Review status: criteria provided, single submitter. Criteria: ACMG Guidelines, 2015. Collection method: clinical testing. Allele origin: de novo. Observed: 1 variant allele.

Baylor Genetics
Classification: Uncertain significance for Brugada syndrome 3. Last evaluated: 2019-03-01. Review status: criteria provided, single submitter. Criteria: ACMG Guidelines, 2015. Collection method: clinical testing. Allele origin: de novo. Affected: yes.
Comment: This variant was determined to be of uncertain significance according to ACMG Guidelines, 2015 [PMID:25741868].

Literature cited by the submitters: PubMed 36474027 (cited by Daryl Scott Lab, Baylor College of Medicine).

NM_000719.7(CACNA1C):c.694G>C (p.Asp232His)

Gene: CACNA1C (calcium voltage-gated channel subunit alpha1 C; plus strand). Cytogenetic location: 12p13.33.
Variant type: single nucleotide variant.
Coding change: c.694G>C on transcript NM_000719.7 (MANE Select); coding-DNA position 694, G replaced by C.
Protein change: p.Asp232His; replaces aspartic acid 232 with histidine.
Molecular consequence: missense variant.
Genome position (GRCh38, 1-based): chr12:2,457,643, G>C. VCF-style: chr12-2457643-G-C. GRCh37 (hg19) VCF-style: chr12-2566809-G-C.
Other names: c.694G>C, p.Asp232His (NM_001129827.2, NM_001129829.2, NM_001129830.3 and 19 more transcripts); short protein forms D232H.
Identifiers: ClinVar variation 1030883 (VCV001030883.2), dbSNP rs376872233, ClinGen allele CA383367784.